The following is an entry in ClinVar:

NM_001903.5(CTNNA1):c.1205del (p.Leu402fs)

Gene: CTNNA1 (catenin alpha 1; plus strand). Cytogenetic location: 5q31.2.
Variant type: Deletion.
Coding change: c.1205del on transcript NM_001903.5 (MANE Select); coding-DNA position 1205, one base deleted (T; older notation c.1205delT).
Protein change: p.Leu402fs; shifts the reading frame from leucine 402.
Molecular consequence: frameshift variant. On other transcripts: 5 prime UTR variant (5), intron variant (2).
Genome position (GRCh38, 1-based): chr5:138,887,551, T deleted; the last of 4 consecutive T bases (chr5:138,887,548-138,887,551); deleting any one gives the same sequence. VCF-style (leftmost placement, unchanged base first): chr5-138887547-CT-C. GRCh37 (hg19) VCF-style: chr5-138223236-CT-C.
Other names: c.1205del, p.Leu402fs (NM_001290307.3, NM_001323982.2, NM_001323983.1 and 3 more transcripts); c.896del, p.Leu299fs (NM_001290309.3); c.836del, p.Leu279fs (NM_001290310.3); c.95del, p.Leu32fs (NM_001290312.1, NM_001323987.1, NM_001323997.1 and 18 more transcripts); c.-303del (NM_001324006.1, NM_001324007.1, NM_001324008.1 and 1 more transcripts); c.-178del (NM_001324013.1); c.-58+11954del (NM_001324012.1); c.-61+11954del (NM_001324010.1); short protein forms L299fs, L402fs, L279fs, L32fs.
Identifiers: ClinVar variation 1958939 (VCV001958939.6), dbSNP rs2533013400, ClinGen allele CA2580072893.
Genomic context (GRCh38, chr5:138,887,547, plus strand): 5'-TAGCTCCGCAAAGCTGTCATGGACCACGTTTCAGATTCTTTCCTGGAAACCAATGTTCCA[CT>C]TTTGGTATTGATTGAAGCTGCAAAGAATGGAAATGAGAAAGAAGTTAAGGAGTATGCCCA-3'

ClinVar aggregate classification (germline): Pathogenic/Likely pathogenic. Review status: criteria provided, multiple submitters, no conflicts (2 of 4 stars). 2 submissions from 2 submitters: Pathogenic (1); Likely pathogenic (1). Last evaluated 2025-05-22.

Conditions:
Patterned macular dystrophy 2. Identifiers: Orphanet 99001, MedGen C1837029, MONDO:0012162, OMIM 608970.

Submissions (2):

Labcorp Genetics (formerly Invitae), Labcorp
Classification: Pathogenic. Last evaluated: 2025-05-22. Review status: criteria provided, single submitter. Criteria: Invitae Variant Classification Sherloc (09022015). Collection method: clinical testing. Allele origin: germline.
Comment: This sequence change creates a premature translational stop signal (p.Leu402Trpfs*3) in the CTNNA1 gene. It is expected to result in an absent or disrupted protein product. Loss-of-function variants in CTNNA1 are known to be pathogenic (PMID: 32051609, 34425242). This variant is not present in population databases (gnomAD no frequency). This variant has not been reported in the literature in individuals affected with CTNNA1-related conditions. ClinVar contains an entry for this variant (Variation ID: 1958939). Experimental studies and prediction algorithms are not available or were not evaluated, and the functional significance of this variant is currently unknown. For these reasons, this variant has been classified as Pathogenic.

Department of Pathology and Laboratory Medicine, Sinai Health System
Classification: Likely pathogenic for Patterned macular dystrophy 2. Last evaluated: 2022-06-20. Review status: criteria provided, single submitter. Criteria: ACMG Guidelines, 2015. Collection method: clinical testing. Allele origin: germline. Affected: yes.

Literature cited by the submitters: PubMed 32051609 (cited by Labcorp Genetics (formerly Invitae), Labcorp); PubMed 34425242 (cited by Labcorp Genetics (formerly Invitae), Labcorp).